The following is an entry in ClinVar:

ClinVar aggregate classification (germline): Likely benign (0 of 4 stars; one submission).

Conditions:
UBR4-related disorder. Also called: UBR4-related condition.

Allele frequency attached by ClinVar (database versions not stated): gnomAD exomes 0.00011; ExAC 0.00033; 1000 Genomes Project 0.00060; 1000 Genomes Project 30x 0.00078; gnomAD 0.00123; ESP Exome Variant Server 0.00131; TOPMed 0.00136.
gnomAD v4.1: 356 of 1,613,310 alleles (0.022%); highest among the groups gnomAD compares: African/African-American, 0.44%; 2 homozygotes.

Submission:

PreventionGenetics, part of Exact Sciences
Classification: Likely benign for UBR4-related condition. Last evaluated: 2019-06-03. Review status: no assertion criteria provided. Collection method: clinical testing. Allele origin: germline.
Comment: This variant is classified as likely benign based on ACMG/AMP sequence variant interpretation guidelines (Richards et al. 2015 PMID: 25741868, with internal and published modifications).

NM_020765.3(UBR4):c.8553C>T (p.Ser2851=)

Gene: UBR4 (ubiquitin protein ligase E3 component n-recognin 4; minus strand). Cytogenetic location: 1p36.13.
Variant type: single nucleotide variant.
Coding change: c.8553C>T on transcript NM_020765.3 (MANE Select); coding-DNA position 8553, C replaced by T.
Protein change: p.Ser2851=; no amino-acid change (serine 2851 retained).
Molecular consequence: synonymous variant.
Genome position (GRCh38, 1-based): chr1:19,140,828, G>A on the plus strand (C>T on the coding strand, the complement: UBR4 is on the minus strand). VCF-style: chr1-19140828-G-A. GRCh37 (hg19) VCF-style: chr1-19467322-G-A.
Identifiers: ClinVar variation 3042180 (VCV003042180.2), dbSNP rs139618268, ClinGen allele CA649701.